The following is an entry in ClinVar:

NM_174916.3(UBR1):c.1507C>T (p.Arg503Ter)

Gene: UBR1 (ubiquitin protein ligase E3 component n-recognin 1; minus strand). Cytogenetic location: 15q15.2.
Variant type: single nucleotide variant.
Coding change: c.1507C>T on transcript NM_174916.3 (MANE Select); coding-DNA position 1507, C replaced by T.
Protein change: p.Arg503Ter; replaces arginine 503 with a stop codon.
Molecular consequence: nonsense.
Genome position (GRCh38, 1-based): chr15:43,048,424, G>A on the plus strand (C>T on the coding strand, the complement: UBR1 is on the minus strand). VCF-style: chr15-43048424-G-A. GRCh37 (hg19) VCF-style: chr15-43340622-G-A.
Other names: short protein forms R503*.
Identifiers: ClinVar variation 2736186 (VCV002736186.3), dbSNP rs764158113, ClinGen allele CA7518718.

ClinVar aggregate classification (germline): Pathogenic (1 of 4 stars; one submission).

Allele frequency attached by ClinVar (database versions not stated): gnomAD exomes below 0.00001; TOPMed below 0.00001; ExAC 0.00001.
gnomAD v4.1: 3 of 1,613,550 alleles (0.00019%); highest among the groups gnomAD compares: South Asian, 0.0011%; no homozygotes.

Submission:

Labcorp Genetics (formerly Invitae), Labcorp
Classification: Pathogenic. Last evaluated: 2023-06-28. Review status: criteria provided, single submitter. Criteria: Invitae Variant Classification Sherloc (09022015). Collection method: clinical testing. Allele origin: germline.
Comment: For these reasons, this variant has been classified as Pathogenic. This premature translational stop signal has been observed in individual(s) with Johanson-Blizzard syndrome (PMID: 21931868). This variant is present in population databases (rs764158113, gnomAD 0.002%). This sequence change creates a premature translational stop signal (p.Arg503*) in the UBR1 gene. It is expected to result in an absent or disrupted protein product. Loss-of-function variants in UBR1 are known to be pathogenic (PMID: 24599544).

Literature cited by the submitters: PubMed 21931868; PubMed 24599544.